The following is an entry in ClinVar:

NM_001386140.1(MTTP):c.1266_1267del (p.Ser422fs)

Gene: MTTP (microsomal triglyceride transfer protein; plus strand). Cytogenetic location: 4q23.
Variant type: Deletion.
Coding change: c.1266_1267del on transcript NM_001386140.1 (MANE Select); coding-DNA positions 1266 to 1267, 2 bases deleted (TG; older notation c.1266_1267delTG).
Protein change: p.Ser422fs; shifts the reading frame from serine 422.
Molecular consequence: frameshift variant.
Genome position (GRCh38, 1-based): chr4:99,601,636-99,601,637, TG deleted; deleting any 2 consecutive bases within chr4:99,601,635-99,601,637 gives the same sequence; the c. name uses the placement nearest the transcript's 3' end. VCF-style (leftmost placement, unchanged base first): chr4-99601634-AGT-A. GRCh37 (hg19) VCF-style: chr4-100522791-AGT-A.
Other names: c.1266_1267del, p.Ser422fs (NM_000253.4); c.1017_1018del, p.Ser339fs (NM_001300785.2); short protein forms S339fs, S422fs.
Identifiers: ClinVar variation 1726513 (VCV001726513.2), dbSNP rs2476126262, ClinGen allele CA2580071921.

ClinVar aggregate classification (germline): Likely pathogenic (1 of 4 stars; one submission).

Conditions:
Abetalipoproteinaemia (ABL). Also called: MTP DEFICIENCY; Abetalipoproteinemia; Abetalipoproteinemia neuropathy; Apolipoprotein B deficiency; Congenital betalipoprotein deficiency syndrome. Identifiers: Orphanet 14, MedGen C0000744, MONDO:0008692, OMIM 200100, HP:0008181.

Submission:

Myriad Genetics, Inc.
Classification: Likely pathogenic for Abetalipoproteinaemia. Last evaluated: 2021-12-17. Review status: criteria provided, single submitter. Criteria: Myriad Women's Health Autosomal Recessive and X-Linked Classification Criteria (2021). Collection method: clinical testing. Allele origin: unknown.
Comment: NM_000253.2(MTTP):c.1266_1267delTG(S422Rfs*21) is expected to be pathogenic in the context of abetalipoproteinemia. This variant is predicted to lead to an abnormal or absent protein product due to the creation of a premature termination codon in MTTP, a gene where loss-of-function variants are known to be pathogenic. Please note: this variant was assessed in the context of healthy population screening.